The following is an entry in ClinVar:

NM_201548.5(CERKL):c.1133G>A (p.Arg378Lys)

Gene: CERKL (CERK like autophagy regulator; minus strand). Cytogenetic location: 2q31.3.
Variant type: single nucleotide variant.
Coding change: c.1133G>A on transcript NM_201548.5 (MANE Select); coding-DNA position 1133, G replaced by A.
Protein change: p.Arg378Lys; replaces arginine 378 with lysine.
Molecular consequence: missense variant. On other transcripts: non-coding transcript variant (2).
Genome position (GRCh38, 1-based): chr2:181,548,545, C>T on the plus strand (G>A on the coding strand, the complement: CERKL is on the minus strand). VCF-style: chr2-181548545-C-T. GRCh37 (hg19) VCF-style: chr2-182413272-C-T.
Other names: c.1211G>A, p.Arg404Lys (NM_001030311.3); c.794G>A, p.Arg265Lys (NM_001030312.3); c.926G>A, p.Arg309Lys (NM_001030313.3); c.*415G>A (NM_001030314.1, NM_001030315.1); c.1079G>A, p.Arg360Lys (NM_001160277.2); short protein forms R360K, R404K, R265K, R309K, R378K.
Identifiers: ClinVar variation 1898077 (VCV001898077.5), dbSNP rs752257366, ClinGen allele CA2010563.

ClinVar aggregate classification (germline): Uncertain significance (1 of 4 stars; one submission).

Allele frequency attached by ClinVar (database versions not stated): ExAC 0.00001.

Submission:

Labcorp Genetics (formerly Invitae), Labcorp
Classification: Uncertain significance. Last evaluated: 2023-12-07. Review status: criteria provided, single submitter. Criteria: Invitae Variant Classification Sherloc (09022015). Collection method: clinical testing. Allele origin: germline.
Comment: This sequence change replaces arginine, which is basic and polar, with lysine, which is basic and polar, at codon 404 of the CERKL protein (p.Arg404Lys). This variant also falls at the last nucleotide of exon 9, which is part of the consensus splice site for this exon. This variant is present in population databases (rs752257366, gnomAD 0.002%). This variant has not been reported in the literature in individuals affected with CERKL-related conditions. ClinVar contains an entry for this variant (Variation ID: 1898077). Algorithms developed to predict the effect of missense changes on protein structure and function output the following: SIFT: "Not Available"; PolyPhen-2: "Benign"; Align-GVGD: "Not Available". The lysine amino acid residue is found in multiple mammalian species, which suggests that this missense change does not adversely affect protein function. Variants that disrupt the consensus splice site are a relatively common cause of aberrant splicing (PMID: 17576681, 9536098). Algorithms developed to predict the effect of sequence changes on RNA splicing suggest that this variant may disrupt the consensus splice site. In summary, the available evidence is currently insufficient to determine the role of this variant in disease. Therefore, it has been classified as a Variant of Uncertain Significance.

Literature cited by the submitters: PubMed 17576681; PubMed 9536098.